The following is an entry in ClinVar:

NM_000500.5(CYP21A2):c.[701T>A;713T>A;719T>A]

Variant type: Haplotype.
Identifiers: ClinVar variation 65613 (VCV000065613.3).

ClinVar aggregate classification (germline): Pathogenic (0 of 4 stars; one submission).

Conditions:
21-Hydroxylase-Deficient Congenital Adrenal Hyperplasia. Also called: ADRENAL HYPERPLASIA, CONGENITAL, DUE TO 21-HYDROXYLASE DEFICIENCY; ADRENAL HYPERPLASIA III. Identifiers: MedGen C2936858, OMIM 201910.

Submission:

GeneReviews
Classification: Pathogenic for 21-Hydroxylase-Deficient Congenital Adrenal Hyperplasia. Last evaluated: 2013-08-29. Review status: no assertion criteria provided. Collection method: curation. Allele origin: unknown.
ClinVar note: Converted during submission from pathologic to Pathogenic.